The following is an entry in ClinVar:

ClinVar aggregate classification (germline): Uncertain significance. Review status: criteria provided, multiple submitters, no conflicts (2 of 4 stars). 2 submissions from 2 submitters: Uncertain significance (2). Last evaluated 2025-09-10.

Allele frequency attached by ClinVar (database versions not stated): gnomAD 0.00001; TOPMed 0.00001; gnomAD exomes below 0.00001.

Submissions (2):

Ambry Genetics
Classification: Uncertain significance. Last evaluated: 2025-09-10. Review status: criteria provided, single submitter. Criteria: Ambry Variant Classification Scheme 2023. Collection method: clinical testing. Allele origin: germline.

Labcorp Genetics (formerly Invitae), Labcorp
Classification: Uncertain significance. Last evaluated: 2024-11-04. Review status: criteria provided, single submitter. Criteria: Invitae Variant Classification Sherloc (09022015). Collection method: clinical testing. Allele origin: germline.
Comment: This sequence change replaces tryptophan, which is neutral and slightly polar, with serine, which is neutral and polar, at codon 153 of the ELOVL1 protein (p.Trp153Ser). This variant is not present in population databases (gnomAD no frequency). This variant has not been reported in the literature in individuals affected with ELOVL1-related conditions. ClinVar contains an entry for this variant (Variation ID: 2335588). Invitae Evidence Modeling of protein sequence and biophysical properties (such as structural, functional, and spatial information, amino acid conservation, physicochemical variation, residue mobility, and thermodynamic stability) indicates that this missense variant is expected to disrupt ELOVL1 protein function with a positive predictive value of 80%. In summary, the available evidence is currently insufficient to determine the role of this variant in disease. Therefore, it has been classified as a Variant of Uncertain Significance.

NM_022821.4(ELOVL1):c.458G>C (p.Trp153Ser)

Gene: ELOVL1 (ELOVL fatty acid elongase 1; minus strand). Cytogenetic location: 1p34.2.
Variant type: single nucleotide variant.
Coding change: c.458G>C on transcript NM_022821.4 (MANE Select); coding-DNA position 458, G replaced by C.
Protein change: p.Trp153Ser; replaces tryptophan 153 with serine.
Molecular consequence: missense variant.
Genome position (GRCh38, 1-based): chr1:43,364,565, C>G on the plus strand (G>C on the coding strand, the complement: ELOVL1 is on the minus strand). VCF-style: chr1-43364565-C-G. GRCh37 (hg19) VCF-style: chr1-43830236-C-G.
Other names: c.458G>C, p.Trp153Ser (NM_001256399.2); c.377G>C, p.Trp126Ser (NM_001256401.2); c.215G>C, p.Trp72Ser (NM_001256402.2); short protein forms W153S, W72S, W126S.
Identifiers: ClinVar variation 2335588 (VCV002335588.5), dbSNP rs879643078, ClinGen allele CA21624143.
Genomic context (GRCh38, chr1:43,364,565, plus strand): 5'-GTGCCCACCCTTTCCCATAGTGGCCTTCACCACTCACCCGGGGCAATCTTTACCCCCCAC[C>G]ACCAGCTCCAGGGAAGCACAGAGTGATGGAAGACATGTAGGAAGGTCACCTGCCCGTCTT-3'
Protein context (NP_073732.1, residues 143-163): FHHSVLPWSW[Trp153Ser]WGVKIAPGGM